The following is an entry in ClinVar:

NM_001482.3(GATM):c.69+267C>T

Gene: GATM (glycine amidinotransferase; minus strand). Cytogenetic location: 15q21.1.
Variant type: single nucleotide variant.
Coding change: c.69+267C>T on transcript NM_001482.3 (MANE Select); 267 bases into the intron after coding-DNA position 69, C replaced by T.
Molecular consequence: intron variant.
Genome position (GRCh38, 1-based): chr15:45,378,118, G>A on the plus strand (C>T on the coding strand, the complement: GATM is on the minus strand). VCF-style: chr15-45378118-G-A. GRCh37 (hg19) VCF-style: chr15-45670316-G-A.
Other names: c.-318-1299C>T (NM_001321015.2).
Identifiers: ClinVar variation 684068 (VCV000684068.2), dbSNP rs2114501, ClinGen allele CA14099768.

ClinVar aggregate classification (germline): Benign. Review status: criteria provided, multiple submitters, no conflicts (2 of 4 stars). 2 submissions from 2 submitters: Benign (2). Last evaluated 2018-06-18.

Allele frequency attached by ClinVar (database versions not stated): gnomAD 0.31064 and 0.31949; gnomAD exomes 0.32489; TOPMed 0.33767; 1000 Genomes Project 0.44369.
gnomAD v4.1: 133,354 of 413,080 alleles (32%); highest among the groups gnomAD compares: East Asian, 85%; 26,092 homozygotes.

Submissions (2):

GeneDx
Classification: Benign. Last evaluated: 2018-06-18. Review status: criteria provided, single submitter. Criteria: GeneDx Variant Classification (06012015). Collection method: clinical testing. Allele origin: germline. Affected: yes.
Comment: This variant is considered likely benign or benign based on one or more of the following criteria: it is a conservative change, it occurs at a poorly conserved position in the protein, it is predicted to be benign by multiple in silico algorithms, and/or has population frequency not consistent with disease.

Breakthrough Genomics
Classification: Benign. Review status: criteria provided, single submitter. Criteria: ACMG Guidelines, 2015. Collection method: not provided. Allele origin: germline. Inheritance: Autosomal recessive inheritance. Affected: yes.